The following is an entry in ClinVar:

NM_001393504.1(MAST3):c.1738G>C (p.Val580Leu)

Gene: MAST3 (microtubule associated serine/threonine kinase 3; plus strand). Cytogenetic location: 19p13.11.
Variant type: single nucleotide variant.
Coding change: c.1738G>C on transcript NM_001393504.1 (MANE Select); coding-DNA position 1738, G replaced by C.
Protein change: p.Val580Leu; replaces valine 580 with leucine.
Molecular consequence: missense variant.
Genome position (GRCh38, 1-based): chr19:18,134,850, G>C. VCF-style: chr19-18134850-G-C. GRCh37 (hg19) VCF-style: chr19-18245660-G-C.
Other names: c.1762G>C, p.Val588Leu (NM_001393501.1); c.1741G>C, p.Val581Leu (NM_001393502.1); c.1738G>C, p.Val580Leu (NM_001393503.1); c.1735G>C, p.Val579Leu (NM_001393505.1); c.1690G>C, p.Val564Leu (NM_001393506.1, NM_001393513.1); c.1717G>C, p.Val573Leu (NM_001393507.1); c.1672G>C, p.Val558Leu (NM_001393508.1, NM_001393516.1); c.1669G>C, p.Val557Leu (NM_001393509.1, NM_001393510.1, NM_001393512.1 and 2 more transcripts); and 4 more; short protein forms V551L, V550L, V556L, V557L, V579L, V580L, V588L, V542L.
Identifiers: ClinVar variation 2539695 (VCV002539695.2), dbSNP rs2513193892, ClinGen allele CA404814694.
Genomic context (GRCh38, chr19:18,134,850, plus strand): 5'-TCAGTTTCCCCGTTCTCCCTGGCCCAGGTGTGTGGGACGCCGGAGTACATAGCCCCCGAG[G>C]TGATCTTCCGCCAGGGCTATGGGAAGCCAGTGGACTGGTGGGCCATGGGCGTCGTCCTCT-3'
Protein context (NP_001380433.1, residues 570-590): CGTPEYIAPE[Val580Leu]IFRQGYGKPV

ClinVar aggregate classification (germline): Likely pathogenic (1 of 4 stars; one submission).

Conditions:
Inborn genetic diseases. Identifiers: MedGen C0950123, MeSH D030342.

Submission:

Ambry Genetics
Classification: Likely pathogenic for Inborn genetic diseases. Last evaluated: 2023-06-05. Review status: criteria provided, single submitter. Criteria: Ambry Variant Classification Scheme 2023. Collection method: clinical testing. Allele origin: germline.
Comment: The c.1651G>C (p.V551L) alteration is located in exon 16 (coding exon 16) of the MAST3 gene. This alteration results from a G to C substitution at nucleotide position 1651, causing the valine (V) at amino acid position 551 to be replaced by a leucine (L). This variant was not reported in population-based cohorts in the Genome Aggregation Database (gnomAD). This amino acid position is highly conserved in available vertebrate species. This alteration is located in the highly conserved STK domain (Spinelli, 2021). The in silico prediction for this alteration is inconclusive. Based on the available evidence, this alteration is classified as likely pathogenic.

Literature cited by the submitters: PubMed 34185323.